The following is an entry in ClinVar:

ClinVar aggregate classification (germline): Likely benign (1 of 4 stars; one submission).

Allele frequency attached by ClinVar (database versions not stated): gnomAD exomes 0.00001; TOPMed 0.00001; gnomAD 0.00003.
gnomAD v4.1: 13 of 1,613,880 alleles (0.00081%); highest among the groups gnomAD compares: Non-Finnish European, 0.0011%; no homozygotes.

Submission:

Laboratory for Molecular Medicine, Mass General Brigham Personalized Medicine
Classification: Likely benign. Last evaluated: 2013-10-05. Review status: criteria provided, single submitter. Criteria: LMM Criteria. Collection method: clinical testing. Allele origin: germline. Observed: 1 variant allele.
Comment: Ala2317Ser in Exon 50 of CDH23: This variant is not expected to have clinical si gnificance because it is not well conserved across species with platypus and sev eral distant species (birds, reptiles, and fish) having a Ser at that position. In addition, computational analyses (biochemical amino acid properties, AlignGVG D, PolyPhen2, and SIFT) predict that the Ala2317Ser variant may not impact the p rotein.

NM_022124.6(CDH23):c.6949G>T (p.Ala2317Ser)

Gene: CDH23 (cadherin related 23; plus strand). Cytogenetic location: 10q22.1.
Variant type: single nucleotide variant.
Coding change: c.6949G>T on transcript NM_022124.6 (MANE Select); coding-DNA position 6949, G replaced by T.
Protein change: p.Ala2317Ser; replaces alanine 2317 with serine.
Molecular consequence: missense variant.
Genome position (GRCh38, 1-based): chr10:71,798,473, G>T. VCF-style: chr10-71798473-G-T. GRCh37 (hg19) VCF-style: chr10-73558230-G-T.
Other names: c.229G>T, p.Ala77Ser (NM_001171933.1, NM_001171934.1); short protein forms A2317S, A77S.
Identifiers: ClinVar variation 162937 (VCV000162937.4), dbSNP rs727502930, ClinGen allele CA175511.